The following is an entry in ClinVar:

ClinVar aggregate classification (germline): Pathogenic (1 of 4 stars; one submission).

Submission:

Labcorp Genetics (formerly Invitae), Labcorp
Classification: Pathogenic. Last evaluated: 2024-10-28. Review status: criteria provided, single submitter. Criteria: Invitae Variant Classification Sherloc (09022015). Collection method: clinical testing. Allele origin: germline.
Comment: This sequence change creates a premature translational stop signal (p.Arg110Lysfs*6) in the TMPRSS15 gene. It is expected to result in an absent or disrupted protein product. Loss-of-function variants in TMPRSS15 are known to be pathogenic (PMID: 11719902). This variant is not present in population databases (gnomAD no frequency). This variant has not been reported in the literature in individuals affected with TMPRSS15-related conditions. For these reasons, this variant has been classified as Pathogenic.

Literature cited by the submitters: PubMed 11719902.

NM_002772.3(TMPRSS15):c.328dup (p.Arg110fs)

Gene: TMPRSS15 (transmembrane serine protease 15; minus strand). Cytogenetic location: 21q21.1.
Variant type: Duplication.
Coding change: c.328dup on transcript NM_002772.3 (MANE Select); coding-DNA position 328, one base duplicated (A; older notation c.328dupA).
Protein change: p.Arg110fs; shifts the reading frame from arginine 110.
Molecular consequence: frameshift variant.
Genome position (GRCh38, 1-based): chr21:18,397,895, T duplicated on the plus strand (A on the coding strand, the reverse complement: TMPRSS15 is on the minus strand); the first of 2 consecutive T bases (chr21:18,397,895-18,397,896); duplicating either gives the same sequence. VCF-style (leftmost placement, unchanged base first): chr21-18397894-C-CT. GRCh37 (hg19) VCF-style: chr21-19770211-C-CT.
Other names: c.328dup, p.Arg110fs (NM_001428056.1, NM_001428057.1); short protein forms R110fs.
Identifiers: ClinVar variation 3681545 (VCV003681545.2).